The following is an entry in ClinVar:

NM_001017995.3(SH3PXD2B):c.1705A>T (p.Ile569Phe)

Gene: SH3PXD2B (SH3 and PX domains 2B; minus strand). Cytogenetic location: 5q35.1.
Variant type: single nucleotide variant.
Coding change: c.1705A>T on transcript NM_001017995.3 (MANE Select); coding-DNA position 1705, A replaced by T.
Protein change: p.Ile569Phe; replaces isoleucine 569 with phenylalanine.
Molecular consequence: missense variant. On other transcripts: intron variant (1).
Genome position (GRCh38, 1-based): chr5:172,339,400, T>A on the plus strand (A>T on the coding strand, the complement: SH3PXD2B is on the minus strand). VCF-style: chr5-172339400-T-A. GRCh37 (hg19) VCF-style: chr5-171766404-T-A.
Other names: c.1705A>T (NM_001017995.2); c.1188+6736A>T (NM_001308175.2); short protein forms I569F.
Identifiers: ClinVar variation 1601215 (VCV001601215.10), dbSNP rs567930218, ClinGen allele CA3561114.

ClinVar aggregate classification (germline): Benign. Review status: criteria provided, single submitter (1 of 4 stars). 2 submissions from 2 submitters: Benign (1). 1 of the submissions does not count toward it. Last evaluated 2025-10-08.

Conditions:
SH3PXD2B-related disorder. Also called: SH3PXD2B-related condition.

Allele frequency attached by ClinVar (database versions not stated): TOPMed 0.00001; gnomAD 0.00011; gnomAD exomes 0.00028 and 0.00055; 1000 Genomes Project 30x 0.00047; ExAC 0.00059; 1000 Genomes Project 0.00060.
gnomAD v4.1: 414 of 1,614,160 alleles (0.026%); highest among the groups gnomAD compares: South Asian, 0.44%; 6 homozygotes.

Submissions (2):

Labcorp Genetics (formerly Invitae), Labcorp
Classification: Benign. Last evaluated: 2025-10-08. Review status: criteria provided, single submitter. Criteria: Invitae Variant Classification Sherloc (09022015). Collection method: clinical testing. Allele origin: germline.

PreventionGenetics, part of Exact Sciences
Classification: Likely benign for SH3PXD2B-related condition. Last evaluated: 2022-03-21. Review status: no assertion criteria provided. Collection method: clinical testing. Allele origin: germline. Not counted in ClinVar's aggregate classification.
Comment: This variant is classified as likely benign based on ACMG/AMP sequence variant interpretation guidelines (Richards et al. 2015 PMID: 25741868, with internal and published modifications).